The following is an entry in ClinVar:

ClinVar aggregate classification (germline): Uncertain significance (1 of 4 stars; one submission).

Allele frequency attached by ClinVar (database versions not stated): TOPMed below 0.00001; gnomAD exomes 0.00001.
gnomAD v4.1: 7 of 1,613,256 alleles (0.00043%); highest among the groups gnomAD compares: Non-Finnish European, 0.00059%; no homozygotes.

Submission:

Labcorp Genetics (formerly Invitae), Labcorp
Classification: Uncertain significance. Last evaluated: 2023-05-16. Review status: criteria provided, single submitter. Criteria: Invitae Variant Classification Sherloc (09022015). Collection method: clinical testing. Allele origin: germline.
Comment: This sequence change replaces threonine, which is neutral and polar, with isoleucine, which is neutral and non-polar, at codon 1216 of the BRD4 protein (p.Thr1216Ile). This variant is present in population databases (no rsID available, gnomAD 0.0009%). This variant has not been reported in the literature in individuals affected with BRD4-related conditions. Advanced modeling of protein sequence and biophysical properties (such as structural, functional, and spatial information, amino acid conservation, physicochemical variation, residue mobility, and thermodynamic stability) performed at Invitae indicates that this missense variant is not expected to disrupt BRD4 protein function. Algorithms developed to predict the effect of sequence changes on RNA splicing suggest that this variant may disrupt the consensus splice site. In summary, the available evidence is currently insufficient to determine the role of this variant in disease. Therefore, it has been classified as a Variant of Uncertain Significance.

NM_001379291.1(BRD4):c.3647C>T (p.Thr1216Ile)

Gene: BRD4 (bromodomain containing 4; minus strand). Cytogenetic location: 19p13.12.
Variant type: single nucleotide variant.
Coding change: c.3647C>T on transcript NM_001379291.1 (MANE Select); coding-DNA position 3647, C replaced by T.
Protein change: p.Thr1216Ile; replaces threonine 1216 with isoleucine.
Molecular consequence: missense variant.
Genome position (GRCh38, 1-based): chr19:15,239,194, G>A on the plus strand (C>T on the coding strand, the complement: BRD4 is on the minus strand). VCF-style: chr19-15239194-G-A. GRCh37 (hg19) VCF-style: chr19-15350005-G-A.
Other names: c.3647C>T, p.Thr1216Ile (NM_058243.3); short protein forms T1216I.
Identifiers: ClinVar variation 2990250 (VCV002990250.3), dbSNP rs1298800516, ClinGen allele CA404498007.
Genomic context (GRCh38, chr19:15,239,194, plus strand): 5'-TCCTCTTTCTCCCGAGCGGCGCGGCGGAACTGCTCGAAGCTGTCGCTGGATGACTTGGCT[G>A]TGGAGGAGGGGGTGGTCGGATGCTTCTGCACTAGGCTGGCCCAGGAGCCCATGTTCTTGA-3'
Protein context (NP_001366220.1, residues 1206-1226): VQKHPTTPSS[Thr1216Ile]AKSSSDSFEQ